The following is an entry in ClinVar:

NM_001735.3(C5):c.2503C>T (p.Arg835Ter)

Gene: C5 (complement C5; minus strand). Cytogenetic location: 9q33.2.
Variant type: single nucleotide variant.
Coding change: c.2503C>T on transcript NM_001735.3 (MANE Select); coding-DNA position 2503, C replaced by T.
Protein change: p.Arg835Ter; replaces arginine 835 with a stop codon.
Molecular consequence: nonsense.
Genome position (GRCh38, 1-based): chr9:121,005,978, G>A on the plus strand (C>T on the coding strand, the complement: C5 is on the minus strand). VCF-style: chr9-121005978-G-A. GRCh37 (hg19) VCF-style: chr9-123768256-G-A.
Other names: c.2521C>T, p.Arg841Ter (NM_001317163.2); c.2503C>T, p.Arg835Ter (NM_001317164.2); short protein forms R835*, R841*.
Identifiers: ClinVar variation 3616531 (VCV003616531.2).
Genomic context (GRCh38, chr9:121,005,978, plus strand): 5'-CCTGCATCCCAGAAGTCCTATAGTTGTAAACAGTTCCTTTCAATTGGATCTGTTCTCCTC[G>A]TACAACAGAATATGGTATATTCATTTCCAGGAAGACATCTTTGAACACCTTTGCCTTGAC-3'

ClinVar aggregate classification (germline): Pathogenic (1 of 4 stars; one submission).

gnomAD v4.1: 5 of 1,613,350 alleles (0.00031%); highest among the groups gnomAD compares: African/African-American, 0.0027%; no homozygotes.

Submission:

Labcorp Genetics (formerly Invitae), Labcorp
Classification: Pathogenic. Last evaluated: 2024-07-24. Review status: criteria provided, single submitter. Criteria: Invitae Variant Classification Sherloc (09022015). Collection method: clinical testing. Allele origin: germline.
Comment: This sequence change creates a premature translational stop signal (p.Arg835*) in the C5 gene. It is expected to result in an absent or disrupted protein product. Loss-of-function variants in C5 are known to be pathogenic (PMID: 7730648, 19414197, 27026170). This variant is not present in population databases (gnomAD no frequency). This variant has not been reported in the literature in individuals affected with C5-related conditions. For these reasons, this variant has been classified as Pathogenic.

Literature cited by the submitters: PubMed 7730648; PubMed 19414197; PubMed 27026170.